The following is an entry in ClinVar:

NC_000013.10:g.(?_32936534)_(32972907_?)del

Gene: BRCA2 (BRCA2 DNA repair associated; plus strand). Cytogenetic location: 13q13.1.
Variant type: Deletion.
Identifiers: ClinVar variation 1454454 (VCV001454454.8).

ClinVar aggregate classification (germline): Pathogenic (1 of 4 stars; one submission).

Conditions:
Hereditary breast ovarian cancer syndrome. Also called: Hereditary breast and ovarian cancer; Hereditary breast and ovarian cancer syndrome (HBOC); Breast and ovarian cancer; Hereditary breast and ovarian cancer syndrome; Hereditary breast and/or ovarian cancer syndrome; BRCA1- and BRCA2-Associated Hereditary Breast and Ovarian Cancer. Identifiers: Orphanet 145, MedGen C0677776, MeSH D061325, MONDO:0003582. Disease mechanism: loss of function.

Submission:

Labcorp Genetics (formerly Invitae), Labcorp
Classification: Pathogenic for Hereditary breast ovarian cancer syndrome. Last evaluated: 2023-06-23. Review status: criteria provided, single submitter. Criteria: Invitae Variant Classification Sherloc (09022015). Collection method: clinical testing. Allele origin: germline.
Comment: For these reasons, this variant has been classified as Pathogenic. This variant disrupts a region of the BRCA2 protein in which other variant(s) (Deletion (Exons 26-27)) have been determined to be pathogenic (Invitae). This suggests that this is a clinically significant region of the protein, and that variants that disrupt it are likely to be disease-causing. This variant has not been reported in the literature in individuals affected with BRCA2-related conditions. This variant is a gross deletion of the genomic region encompassing exon(s) 17-27 of the BRCA2 gene, which includes the termination codon. This deletion extends beyond the assayed region for this gene and therefore may encompass additional genes. While this deletion is not anticipated to lead to nonsense mediated decay, it is expected to alter mRNA translation or result in a truncated protein product.